The following is an entry in ClinVar:

NM_001267550.2(TTN):c.64199G>T (p.Gly21400Val)

Genes: TTN (titin; minus strand), TTN-AS1 (TTN antisense RNA 1; plus strand). Cytogenetic location: 2q31.2.
Variant type: single nucleotide variant.
Coding change: c.64199G>T on transcript NM_001267550.2 (MANE Select); coding-DNA position 64199, G replaced by T.
Protein change: p.Gly21400Val; replaces glycine 21400 with valine.
Molecular consequence: missense variant.
Genome position (GRCh38, 1-based): chr2:178,586,702, C>A on the plus strand (G>T on the coding strand, the complement: TTN is on the minus strand). VCF-style: chr2-178586702-C-A. GRCh37 (hg19) VCF-style: chr2-179451429-C-A.
Other names: c.59276G>T, p.Gly19759Val (NM_001256850.1); c.37004G>T, p.Gly12335Val (NM_003319.4); c.56495G>T, p.Gly18832Val (NM_133378.4); c.37379G>T, p.Gly12460Val (NM_133432.3); c.37580G>T, p.Gly12527Val (NM_133437.4); short protein forms G12335V, G12460V, G12527V, G18832V, G19759V, G21400V.
Identifiers: ClinVar variation 4086601 (VCV004086601.1).
Genomic context (GRCh38, chr2:178,586,702, plus strand): 5'-ACTGAGTACTCTGTCCAGCGATCTGCAGGCTGCTCTTCTTCTCTGTAACTAGTGATGTAG[C>A]CATCGATTTTAGCACCTCCATCACGTAGGGGAGGTAACCAGGCTAAGGTGGCACTGTTCT-3'
Protein context (NP_001254479.2, residues 21390-21410): PLRDGGAKID[Gly21400Val]YITSYREEEQ

ClinVar aggregate classification (germline): Uncertain significance (1 of 4 stars; one submission).

Submission:

GeneDx
Classification: Uncertain significance. Last evaluated: 2025-03-17. Review status: criteria provided, single submitter. Criteria: GeneDx Variant Classification Process June 2021. Collection method: clinical testing. Allele origin: germline. Affected: yes.
Comment: Not observed at significant frequency in large population cohorts (gnomAD); Missense variant in a gene in which most reported pathogenic variants are truncating/loss of function; Has not been previously published as pathogenic or benign to our knowledge